The following is an entry in ClinVar:

NM_176824.3(BBS7):c.908A>T (p.Asp303Val)

Gene: BBS7 (Bardet-Biedl syndrome 7; minus strand). Cytogenetic location: 4q27.
Variant type: single nucleotide variant.
Coding change: c.908A>T on transcript NM_176824.3 (MANE Select); coding-DNA position 908, A replaced by T.
Protein change: p.Asp303Val; replaces aspartic acid 303 with valine.
Molecular consequence: missense variant.
Genome position (GRCh38, 1-based): chr4:121,848,870, T>A on the plus strand (A>T on the coding strand, the complement: BBS7 is on the minus strand). VCF-style: chr4-121848870-T-A. GRCh37 (hg19) VCF-style: chr4-122770025-T-A.
Other names: c.908A>T, p.Asp303Val (NM_018190.4); c.908A>T (NM_176824.2); short protein forms D303V.
Identifiers: ClinVar variation 1045432 (VCV001045432.3), dbSNP rs1261951183, ClinGen allele CA358063399.

ClinVar aggregate classification (germline): Uncertain significance. Review status: criteria provided, single submitter (1 of 4 stars). 2 submissions from 2 submitters: Uncertain significance (1). 1 of the submissions does not count toward it. Last evaluated 2022-01-13.

Conditions:
Bardet-Biedl syndrome (BBS). Identifiers: Orphanet 110, MedGen C0752166, MONDO:0015229.
BBS7-related disorder. Also called: BBS7-related condition.

Allele frequency attached by ClinVar (database versions not stated): TOPMed 0.00001; gnomAD 0.00003.
gnomAD v4.1: 5 of 1,613,848 alleles (0.00031%); highest among the groups gnomAD compares: African/African-American, 0.0053%; no homozygotes.

Submissions (2):

Labcorp Genetics (formerly Invitae), Labcorp
Classification: Uncertain significance for Bardet-Biedl syndrome. Last evaluated: 2022-01-13. Review status: criteria provided, single submitter. Criteria: Invitae Variant Classification Sherloc (09022015). Collection method: clinical testing. Allele origin: germline.
Comment: This sequence change replaces aspartic acid, which is acidic and polar, with valine, which is neutral and non-polar, at codon 303 of the BBS7 protein (p.Asp303Val). This variant is not present in population databases (gnomAD no frequency). This variant has not been reported in the literature in individuals affected with BBS7-related conditions. ClinVar contains an entry for this variant (Variation ID: 1045432). Algorithms developed to predict the effect of missense changes on protein structure and function (SIFT, PolyPhen-2, Align-GVGD) all suggest that this variant is likely to be tolerated. In summary, the available evidence is currently insufficient to determine the role of this variant in disease. Therefore, it has been classified as a Variant of Uncertain Significance.

PreventionGenetics, part of Exact Sciences
Classification: Uncertain significance for BBS7-related condition. Last evaluated: 2024-06-05. Review status: no assertion criteria provided. Collection method: clinical testing. Allele origin: germline. Not counted in ClinVar's aggregate classification.
Comment: The BBS7 c.908A>T variant is predicted to result in the amino acid substitution p.Asp303Val. To our knowledge, this variant has not been reported in the literature or in a large population database, indicating this variant is rare. At this time, the clinical significance of this variant is uncertain due to the absence of conclusive functional and genetic evidence.